The following is an entry in ClinVar:

NM_003470.3(USP7):c.81G>A (p.Ala27=)

Gene: USP7 (ubiquitin specific peptidase 7; minus strand). Cytogenetic location: 16p13.2.
Variant type: single nucleotide variant.
Coding change: c.81G>A on transcript NM_003470.3 (MANE Select); coding-DNA position 81, G replaced by A.
Protein change: p.Ala27=; no amino-acid change (alanine 27 retained).
Molecular consequence: synonymous variant. On other transcripts: 5 prime UTR variant (2), non-coding transcript variant (1).
Genome position (GRCh38, 1-based): chr16:8,930,396, C>T on the plus strand (G>A on the coding strand, the complement: USP7 is on the minus strand). VCF-style: chr16-8930396-C-T. GRCh37 (hg19) VCF-style: chr16-9024253-C-T.
Other names: c.33G>A, p.Ala11= (NM_001286457.2); c.-392G>A (NM_001286458.2); c.-94G>A (NM_001321858.2).
Identifiers: ClinVar variation 2646190 (VCV002646190.27), dbSNP rs62031302, ClinGen allele CA7895835.

ClinVar aggregate classification (germline): Uncertain significance. Review status: criteria provided, multiple submitters, no conflicts (2 of 4 stars). 2 submissions from 2 submitters: Uncertain significance (2). Last evaluated 2025-12-13.

Allele frequency attached by ClinVar (database versions not stated): gnomAD 0.00002; gnomAD exomes 0.00002; ExAC 0.00003.
gnomAD v4.1: 26 of 1,602,466 alleles (0.0016%); highest among the groups gnomAD compares: Admixed American, 0.024%; no homozygotes.

Submissions (2):

Labcorp Genetics (formerly Invitae), Labcorp
Classification: Uncertain significance. Last evaluated: 2025-12-13. Review status: criteria provided, single submitter. Criteria: Invitae Variant Classification Sherloc (09022015). Collection method: clinical testing. Allele origin: germline.
Comment: This sequence change affects codon 27 of the USP7 mRNA. It is a 'silent' change, meaning that it does not change the encoded amino acid sequence of the USP7 protein. This variant is present in population databases (rs62031302, gnomAD 0.03%). This variant has not been reported in the literature in individuals affected with USP7-related conditions. ClinVar contains an entry for this variant (Variation ID: 2646190). Algorithms developed to predict the effect of sequence changes on RNA splicing suggest that this variant may create or strengthen a splice site. In summary, the available evidence is currently insufficient to determine the role of this variant in disease. Therefore, it has been classified as a Variant of Uncertain Significance.

CeGaT Center for Human Genetics Tuebingen
Classification: Uncertain significance. Last evaluated: 2022-08-01. Review status: criteria provided, single submitter. Criteria: CeGaT Center For Human Genetics Tuebingen Variant Classification Criteria Version 2. Collection method: clinical testing. Allele origin: germline. Affected: yes. Observed: 1 variant allele.
Comment: USP7: PM2, PP3